The following is an entry in ClinVar:

NM_001292063.2(OTOG):c.534C>T (p.Ser178=)

Gene: OTOG (otogelin; plus strand). Cytogenetic location: 11p15.1.
Variant type: single nucleotide variant.
Coding change: c.534C>T on transcript NM_001292063.2 (MANE Select); coding-DNA position 534, C replaced by T.
Protein change: p.Ser178=; no amino-acid change (serine 178 retained).
Molecular consequence: synonymous variant.
Genome position (GRCh38, 1-based): chr11:17,553,513, C>T. VCF-style: chr11-17553513-C-T. GRCh37 (hg19) VCF-style: chr11-17575060-C-T.
Other names: c.570C>T, p.Ser190= (NM_001277269.2).
Identifiers: ClinVar variation 504777 (VCV000504777.20), dbSNP rs61995706, ClinGen allele CA5905369.
Genomic context (GRCh38, chr11:17,553,513, plus strand): 5'-CTCCGGAAAGGGCAGCTACACCCTGGTGGGTCGCCATGAGCCCGAGGGACAGAGCTTCTC[C>T]ATCCAGGTGAGGCCTCCCCTGCCTTGCCTGTCCAGGAATGCTTCTCTAGGCCCTGGAGGC-3'
Protein context (NP_001278992.1, residues 168-188): GRHEPEGQSF[Ser178=]IQVHNDPQCG

ClinVar aggregate classification (germline): Benign/Likely benign. Review status: criteria provided, multiple submitters, no conflicts (2 of 4 stars). 6 submissions from 6 submitters: Benign (4); Likely benign (1). 1 of the submissions does not count toward it. Last evaluated 2026-01-26.

Conditions:
OTOG-related disorder. Also called: OTOG-related condition.

Allele frequency attached by ClinVar (database versions not stated): gnomAD exomes 0.00036 and 0.00111; ExAC 0.00146; 1000 Genomes Project 0.00300; gnomAD 0.00355 and 0.00371; 1000 Genomes Project 30x 0.00375; TOPMed 0.00393.
gnomAD v4.1: 1,018 of 1,435,582 alleles (0.071%); highest among the groups gnomAD compares: African/African-American, 1.3%; 6 homozygotes.

Submissions (6):

Labcorp Genetics (formerly Invitae), Labcorp
Classification: Benign. Last evaluated: 2026-01-26. Review status: criteria provided, single submitter. Criteria: Invitae Variant Classification Sherloc (09022015). Collection method: clinical testing. Allele origin: germline.

Blueprint Genetics
Classification: Likely benign. Last evaluated: 2024-09-18. Review status: criteria provided, single submitter. Criteria: ACMG Guidelines, 2015. Collection method: clinical testing. Allele origin: germline.

GeneDx
Classification: Benign. Last evaluated: 2018-11-15. Review status: criteria provided, single submitter. Criteria: GeneDx Variant Classification Process June 2021. Collection method: clinical testing. Allele origin: germline. Affected: yes.

Laboratory for Molecular Medicine, Mass General Brigham Personalized Medicine
Classification: Benign. Last evaluated: 2014-11-24. Review status: criteria provided, single submitter. Criteria: LMM Criteria. Collection method: clinical testing. Allele origin: germline. Observed: 2 variant alleles.
Comment: Ser190Ser in exon 5 of OTOG: This variant is not expected to have clinical signi ficance because it does not alter an amino acid residue and is not located withi n the splice consensus sequence. It has been identified in 2.6% (5/194) of Luhya (Kenyan) chromosomes from a broad population by the 1000 Genomes Project (dbSNP rs61995706).

Breakthrough Genomics
Classification: Benign. Review status: criteria provided, single submitter. Criteria: ACMG Guidelines, 2015. Collection method: not provided. Allele origin: germline. Inheritance: Autosomal recessive inheritance. Affected: yes.

PreventionGenetics, part of Exact Sciences
Classification: Benign for OTOG-related condition. Last evaluated: 2019-05-07. Review status: no assertion criteria provided. Collection method: clinical testing. Allele origin: germline. Not counted in ClinVar's aggregate classification.
Comment: This variant is classified as benign based on ACMG/AMP sequence variant interpretation guidelines (Richards et al. 2015 PMID: 25741868, with internal and published modifications).